The following is an entry in ClinVar:

NM_001384140.1(PCDH15):c.3937A>C (p.Ile1313Leu)

Gene: PCDH15 (protocadherin related 15; minus strand). Cytogenetic location: 10q21.1.
Variant type: single nucleotide variant.
Coding change: c.3937A>C on transcript NM_001384140.1 (MANE Select); coding-DNA position 3937, A replaced by C.
Protein change: p.Ile1313Leu; replaces isoleucine 1313 with leucine.
Molecular consequence: missense variant.
Genome position (GRCh38, 1-based): chr10:53,840,366, T>G on the plus strand (A>C on the coding strand, the complement: PCDH15 is on the minus strand). VCF-style: chr10-53840366-T-G. GRCh37 (hg19) VCF-style: chr10-55600126-T-G.
Other names: c.3952A>C, p.Ile1318Leu (NM_001142763.2, NM_001142771.2); c.3937A>C, p.Ile1313Leu (NM_001142764.2, NM_001142766.2, NM_001142770.3 and 4 more transcripts); c.3724A>C, p.Ile1242Leu (NM_001142765.2); c.3826A>C, p.Ile1276Leu (NM_001142767.2); c.3871A>C, p.Ile1291Leu (NM_001142768.2, NM_001142773.2, NM_001354404.2); c.3973A>C, p.Ile1325Leu (NM_001142769.4); c.3958A>C, p.Ile1320Leu (NM_001354411.2); short protein forms I1242L, I1276L, I1291L, I1313L, I1318L, I1320L, I1325L.
Identifiers: ClinVar variation 2415651 (VCV002415651.3), dbSNP rs534588814, ClinGen allele CA5505510.

ClinVar aggregate classification (germline): Uncertain significance (1 of 4 stars; one submission).

Allele frequency attached by ClinVar (database versions not stated): ExAC 0.00002; 1000 Genomes Project 30x 0.00016; 1000 Genomes Project 0.00020.
gnomAD v4.1: 9 of 1,614,142 alleles (0.00056%); highest among the groups gnomAD compares: South Asian, 0.0099%; no homozygotes.

Submission:

Labcorp Genetics (formerly Invitae), Labcorp
Classification: Uncertain significance. Last evaluated: 2022-05-24. Review status: criteria provided, single submitter. Criteria: Invitae Variant Classification Sherloc (09022015). Collection method: clinical testing. Allele origin: germline.
Comment: This sequence change replaces isoleucine, which is neutral and non-polar, with leucine, which is neutral and non-polar, at codon 1313 of the PCDH15 protein (p.Ile1313Leu). This variant is present in population databases (rs534588814, gnomAD 0.01%). This variant has not been reported in the literature in individuals affected with PCDH15-related conditions. Algorithms developed to predict the effect of missense changes on protein structure and function are either unavailable or do not agree on the potential impact of this missense change (SIFT: "Deleterious"; PolyPhen-2: "Benign"; Align-GVGD: "Class C0"). In summary, the available evidence is currently insufficient to determine the role of this variant in disease. Therefore, it has been classified as a Variant of Uncertain Significance.